The following is an entry in ClinVar:

ClinVar aggregate classification (germline): Uncertain significance. Review status: criteria provided, multiple submitters, no conflicts (2 of 4 stars). 2 submissions from 2 submitters: Uncertain significance (2). Last evaluated 2025-02-01.

Conditions:
Hereditary cancer-predisposing syndrome. Also called: Tumor predisposition; Neoplastic Syndromes, Hereditary; Hereditary Cancer Syndrome; Hereditary neoplastic syndrome. Identifiers: Orphanet 140162, MedGen C0027672, MeSH D009386, MONDO:0015356.
EGFR-related lung cancer (EGFR). Identifiers: MedGen CN130014.

Submissions (2):

Ambry Genetics
Classification: Uncertain significance for Hereditary cancer-predisposing syndrome. Last evaluated: 2025-02-01. Review status: criteria provided, single submitter. Criteria: Ambry Variant Classification Scheme 2023. Collection method: clinical testing. Allele origin: germline.
Comment: The p.Q982K variant (also known as c.2944C>A), located in coding exon 24 of the EGFR gene, results from a C to A substitution at nucleotide position 2944. The glutamine at codon 982 is replaced by lysine, an amino acid with similar properties. This amino acid position is conserved. In addition, the in silico prediction for this alteration is inconclusive. Based on the available evidence, the clinical significance of this variant remains unclear.

Labcorp Genetics (formerly Invitae), Labcorp
Classification: Uncertain significance for EGFR-related lung cancer. Last evaluated: 2023-02-14. Review status: criteria provided, single submitter. Criteria: Invitae Variant Classification Sherloc (09022015). Collection method: clinical testing. Allele origin: germline.
Comment: This sequence change replaces glutamine, which is neutral and polar, with lysine, which is basic and polar, at codon 982 of the EGFR protein (p.Gln982Lys). This variant is not present in population databases (gnomAD no frequency). This variant has not been reported in the literature in individuals affected with EGFR-related conditions. Algorithms developed to predict the effect of missense changes on protein structure and function are either unavailable or do not agree on the potential impact of this missense change (SIFT: "Tolerated"; PolyPhen-2: "Probably Damaging"; Align-GVGD: "Class C0"). In summary, the available evidence is currently insufficient to determine the role of this variant in disease. Therefore, it has been classified as a Variant of Uncertain Significance.

NM_005228.5(EGFR):c.2944C>A (p.Gln982Lys)

Gene: EGFR (epidermal growth factor receptor; plus strand). Cytogenetic location: 7p11.2.
Variant type: single nucleotide variant.
Coding change: c.2944C>A on transcript NM_005228.5 (MANE Select); coding-DNA position 2944, C replaced by A.
Protein change: p.Gln982Lys; replaces glutamine 982 with lysine.
Molecular consequence: missense variant.
Genome position (GRCh38, 1-based): chr7:55,200,411, C>A. VCF-style: chr7-55200411-C-A. GRCh37 (hg19) VCF-style: chr7-55268104-C-A.
Other names: c.2809C>A, p.Gln937Lys (NM_001346897.2, NM_001346899.2); c.2944C>A, p.Gln982Lys (NM_001346898.2); c.2785C>A, p.Gln929Lys (NM_001346900.2); c.2143C>A, p.Gln715Lys (NM_001346941.2); short protein forms Q937K, Q715K, Q929K, Q982K.
Identifiers: ClinVar variation 2837245 (VCV002837245.4), dbSNP rs1787796115, ClinGen allele CA367582076.
Genomic context (GRCh38, chr7:55,200,411, plus strand): 5'-CGTGAGTTGATCATCGAATTCTCCAAAATGGCCCGAGACCCCCAGCGCTACCTTGTCATT[C>A]AGGTACAAATTGCAGTCTGTGCTTCCATTGGGAAGAGTCCCTCTAATGAGCATCTCATGT-3'
Protein context (NP_005219.2, residues 972-992): ARDPQRYLVI[Gln982Lys]GDERMHLPSP